The following is an entry in ClinVar:

ClinVar aggregate classification (germline): Uncertain significance (1 of 4 stars; one submission).

Conditions:
Cone-rod dystrophy 6 (CORD6). Also called: RETINAL CONE DYSTROPHY 2; Cone dystrophy progressive. Identifiers: Orphanet 1872, MedGen C1866293, MONDO:0011143, OMIM 601777.
Leber congenital amaurosis 1 (LCA1). Also called: Congenital absence of the rods and cones; Leber's congenital tapetoretinal degeneration; Leber's congenital tapetoretinal dysplasia; AMAUROSIS CONGENITA OF LEBER I; RETINAL BLINDNESS, CONGENITAL. Identifiers: Orphanet 65, MedGen C2931258, MONDO:0008764, OMIM 204000.

Submission:

Labcorp Genetics (formerly Invitae), Labcorp
Classification: Uncertain significance for Leber congenital amaurosis 1; Cone-rod dystrophy 6. Last evaluated: 2022-03-14. Review status: criteria provided, single submitter. Criteria: Invitae Variant Classification Sherloc (09022015). Collection method: clinical testing. Allele origin: germline.
Comment: In summary, the available evidence is currently insufficient to determine the role of this variant in disease. Therefore, it has been classified as a Variant of Uncertain Significance. Algorithms developed to predict the effect of missense changes on protein structure and function are either unavailable or do not agree on the potential impact of this missense change (SIFT: "Deleterious"; PolyPhen-2: "Benign"; Align-GVGD: "Class C55"). This variant has not been reported in the literature in individuals affected with GUCY2D-related conditions. This variant is not present in population databases (gnomAD no frequency). This sequence change replaces threonine, which is neutral and polar, with serine, which is neutral and polar, at codon 506 of the GUCY2D protein (p.Thr506Ser).

NM_000180.4(GUCY2D):c.1517C>G (p.Thr506Ser)

Gene: GUCY2D (guanylate cyclase 2D, retinal; plus strand). Cytogenetic location: 17p13.1.
Variant type: single nucleotide variant.
Coding change: c.1517C>G on transcript NM_000180.4 (MANE Select); coding-DNA position 1517, C replaced by G.
Protein change: p.Thr506Ser; replaces threonine 506 with serine.
Molecular consequence: missense variant.
Genome position (GRCh38, 1-based): chr17:8,007,479, C>G. VCF-style: chr17-8007479-C-G. GRCh37 (hg19) VCF-style: chr17-7910797-C-G.
Other names: short protein forms T506S.
Identifiers: ClinVar variation 2112008 (VCV002112008.4), dbSNP rs2545421339, ClinGen allele CA397949245.